The following is an entry in ClinVar:

ClinVar aggregate classification (germline): Uncertain significance. Review status: criteria provided, single submitter (1 of 4 stars). 2 submissions from 2 submitters: Uncertain significance (1). 1 of the submissions does not count toward it. Last evaluated 2020-06-29.

Conditions:
RPGRIP1L-related disorder. Also called: RPGRIP1L-related condition; RPGRIP1L-related disorders. Identifiers: MedGen CN239416.

Submissions (2):

Blueprint Genetics
Classification: Uncertain significance. Last evaluated: 2020-06-29. Review status: criteria provided, single submitter. Criteria: ACMG Guidelines, 2015. Collection method: clinical testing. Allele origin: germline.

PreventionGenetics, part of Exact Sciences
Classification: Uncertain significance for RPGRIP1L-related condition. Last evaluated: 2024-05-28. Review status: no assertion criteria provided. Collection method: clinical testing. Allele origin: germline. Not counted in ClinVar's aggregate classification.
Comment: The RPGRIP1L c.746A>G variant is predicted to result in the amino acid substitution p.Gln249Arg. To our knowledge, this variant has not been reported in the literature. This variant is reported in 0.0018% of alleles in individuals of European (Non-Finnish) descent in gnomAD. At this time, the clinical significance of this variant is uncertain due to the absence of conclusive functional and genetic evidence.

NM_015272.5(RPGRIP1L):c.746A>G (p.Gln249Arg)

Gene: RPGRIP1L (RPGRIP1 like; minus strand). Cytogenetic location: 16q12.2.
Variant type: single nucleotide variant.
Coding change: c.746A>G on transcript NM_015272.5 (MANE Select); coding-DNA position 746, A replaced by G.
Protein change: p.Gln249Arg; replaces glutamine 249 with arginine.
Molecular consequence: missense variant.
Genome position (GRCh38, 1-based): chr16:53,686,463, T>C on the plus strand (A>G on the coding strand, the complement: RPGRIP1L is on the minus strand). VCF-style: chr16-53686463-T-C. GRCh37 (hg19) VCF-style: chr16-53720375-T-C.
Other names: c.746A>G, p.Gln249Arg (NM_001127897.4, NM_001308334.3, NM_001330538.2); short protein forms Q249R.
Identifiers: ClinVar variation 3358176 (VCV003358176.2).